The following is an entry in ClinVar:

ClinVar aggregate classification (germline): Uncertain significance (1 of 4 stars; one submission).

Conditions:
Inborn genetic diseases. Identifiers: MedGen C0950123, MeSH D030342.

gnomAD v4.1: 1 of 1,614,082 alleles (0.000062%); highest among the groups gnomAD compares: Non-Finnish European, 0.000085%; no homozygotes.

Submission:

Ambry Genetics
Classification: Uncertain significance for Inborn genetic diseases. Last evaluated: 2025-10-28. Review status: criteria provided, single submitter. Criteria: Ambry Variant Classification Scheme 2023. Collection method: clinical testing. Allele origin: germline.
Comment: The p.G172E variant (also known as c.515G>A), located in coding exon 5 of the FANCG gene, results from a G to A substitution at nucleotide position 515. The glycine at codon 172 is replaced by glutamic acid, an amino acid with similar properties. This amino acid position is conserved. In addition, this alteration is predicted to be tolerated by in silico analysis. Based on the available evidence, the clinical significance of this variant remains unclear.

NM_004629.2(FANCG):c.515G>A (p.Gly172Glu)

Gene: FANCG (FA complementation group G; minus strand). Cytogenetic location: 9p13.3.
Variant type: single nucleotide variant.
Coding change: c.515G>A on transcript NM_004629.2 (MANE Select); coding-DNA position 515, G replaced by A.
Protein change: p.Gly172Glu; replaces glycine 172 with glutamic acid.
Molecular consequence: missense variant.
Genome position (GRCh38, 1-based): chr9:35,077,395, C>T on the plus strand (G>A on the coding strand, the complement: FANCG is on the minus strand). VCF-style: chr9-35077395-C-T. GRCh37 (hg19) VCF-style: chr9-35077392-C-T.
Other names: short protein forms G172E.
Identifiers: ClinVar variation 4619381 (VCV004619381.1).
Genomic context (GRCh38, chr9:35,077,395, plus strand): 5'-TCTAATTCCTCAGCTGGGGGACTCCAAGTTTTCAGAAGTAACAGCAGATCCTTAGAGGCT[C>T]CACTCTGGGGAAAGAAGGACAACCAGAAGCTCCAAGCCTACAACCTCCTCGTCTTCTCCT-3'
Protein context (NP_004620.1, residues 162-182): LLETLNGSQS[Gly172Glu]ASKDLLLLLK